The following is an entry in ClinVar:

ClinVar aggregate classification (germline): Uncertain significance. Review status: criteria provided, multiple submitters, no conflicts (2 of 4 stars). 2 submissions from 2 submitters: Uncertain significance (2). Last evaluated 2025-04-23.

Conditions:
Inborn genetic diseases. Identifiers: MedGen C0950123, MeSH D030342.

Allele frequency attached by ClinVar (database versions not stated): gnomAD 0.00003; gnomAD exomes 0.00004; TOPMed 0.00004; ExAC 0.00002.

Submissions (2):

GeneDx
Classification: Uncertain significance. Last evaluated: 2025-04-23. Review status: criteria provided, single submitter. Criteria: GeneDx Variant Classification Process June 2021. Collection method: clinical testing. Allele origin: germline. Affected: yes.
Comment: Reported with a second SHMT2 variant on the opposite allele (in trans) in a patient with histiocytoid cardiomyopathy in published literature (PMID: 35439193); In silico analysis supports that this missense variant has a deleterious effect on protein structure/function; This variant is associated with the following publications: (PMID: 35439193)

Ambry Genetics
Classification: Uncertain significance for Inborn genetic diseases. Last evaluated: 2024-01-08. Review status: criteria provided, single submitter. Criteria: Ambry Variant Classification Scheme 2023. Collection method: clinical testing. Allele origin: germline.

NM_005412.6(SHMT2):c.689G>A (p.Arg230His)

Gene: SHMT2 (serine hydroxymethyltransferase 2; plus strand). Cytogenetic location: 12q13.3.
Variant type: single nucleotide variant.
Coding change: c.689G>A on transcript NM_005412.6 (MANE Select); coding-DNA position 689, G replaced by A.
Protein change: p.Arg230His; replaces arginine 230 with histidine.
Molecular consequence: missense variant. On other transcripts: non-coding transcript variant (4).
Genome position (GRCh38, 1-based): chr12:57,232,547, G>A. VCF-style: chr12-57232547-G-A. GRCh37 (hg19) VCF-style: chr12-57626330-G-A.
Other names: c.659G>A, p.Arg220His (NM_001166356.2); c.626G>A, p.Arg209His (NM_001166357.1, NM_001166358.2, NM_001166359.1); short protein forms R220H, R209H, R230H.
Identifiers: ClinVar variation 3161849 (VCV003161849.2), dbSNP rs759605261, ClinGen allele CA6646433.